The following is an entry in ClinVar:

NM_001083926.2(ASRGL1):c.886G>A (p.Gly296Arg)

Gene: ASRGL1 (asparaginase and isoaspartyl peptidase 1; plus strand). Cytogenetic location: 11q12.3.
Variant type: single nucleotide variant.
Coding change: c.886G>A on transcript NM_001083926.2 (MANE Select); coding-DNA position 886, G replaced by A.
Protein change: p.Gly296Arg; replaces glycine 296 with arginine.
Molecular consequence: missense variant.
Genome position (GRCh38, 1-based): chr11:62,392,243, G>A. VCF-style: chr11-62392243-G-A. GRCh37 (hg19) VCF-style: chr11-62159715-G-A.
Other names: c.886G>A, p.Gly296Arg (NM_025080.4); short protein forms G296R.
Identifiers: ClinVar variation 953453 (VCV000953453.8), dbSNP rs139016549, ClinGen allele CA6043348.

ClinVar aggregate classification (germline): Uncertain significance. Review status: criteria provided, multiple submitters, no conflicts (2 of 4 stars). 2 submissions from 2 submitters: Uncertain significance (2). Last evaluated 2025-12-26.

Allele frequency attached by ClinVar (database versions not stated): ExAC 0.00007; gnomAD exomes 0.00012 and 0.00031; TOPMed 0.00015; gnomAD 0.00017 and 0.00018; ESP Exome Variant Server 0.00031.
gnomAD v4.1: 476 of 1,614,002 alleles (0.029%); highest among the groups gnomAD compares: Non-Finnish European, 0.038%; no homozygotes.

Submissions (2):

Labcorp Genetics (formerly Invitae), Labcorp
Classification: Uncertain significance. Last evaluated: 2025-12-26. Review status: criteria provided, single submitter. Criteria: Invitae Variant Classification Sherloc (09022015). Collection method: clinical testing. Allele origin: germline.
Comment: This sequence change replaces glycine, which is neutral and non-polar, with arginine, which is basic and polar, at codon 296 of the ASRGL1 protein (p.Gly296Arg). This variant is present in population databases (rs139016549, gnomAD 0.02%). This variant has not been reported in the literature in individuals affected with ASRGL1-related conditions. ClinVar contains an entry for this variant (Variation ID: 953453). An algorithm developed to predict the effect of missense changes on protein structure and function (PolyPhen-2) suggests that this variant is likely to be disruptive. In summary, the available evidence is currently insufficient to determine the role of this variant in disease. Therefore, it has been classified as a Variant of Uncertain Significance.

Ambry Genetics
Classification: Uncertain significance. Last evaluated: 2023-12-07. Review status: criteria provided, single submitter. Criteria: Ambry Variant Classification Scheme 2023. Collection method: clinical testing. Allele origin: germline.